The following is an entry in ClinVar:

ClinVar aggregate classification (germline): Uncertain significance (1 of 4 stars; one submission).

gnomAD v4.1: 19 of 1,587,778 alleles (0.0012%); highest among the groups gnomAD compares: Admixed American, 0.014%; no homozygotes.

Submission:

Labcorp Genetics (formerly Invitae), Labcorp
Classification: Uncertain significance. Last evaluated: 2025-01-30. Review status: criteria provided, single submitter. Criteria: Invitae Variant Classification Sherloc (09022015). Collection method: clinical testing. Allele origin: germline.
Comment: This sequence change falls in intron 33 of the OTOGL gene. It does not directly change the encoded amino acid sequence of the OTOGL protein. It affects a nucleotide within the consensus splice site. This variant is present in population databases (rs545109575, gnomAD 0.02%). This variant has not been reported in the literature in individuals affected with OTOGL-related conditions. Variants that disrupt the consensus splice site are a relatively common cause of aberrant splicing (PMID: 17576681, 9536098). Algorithms developed to predict the effect of sequence changes on RNA splicing suggest that this variant may disrupt the consensus splice site. In summary, the available evidence is currently insufficient to determine the role of this variant in disease. Therefore, it has been classified as a Variant of Uncertain Significance.

Literature cited by the submitters: PubMed 17576681; PubMed 9536098.

NM_001378609.3(OTOGL):c.4081+3A>G

Gene: OTOGL (otogelin like; plus strand). Cytogenetic location: 12q21.31.
Variant type: single nucleotide variant.
Coding change: c.4081+3A>G on transcript NM_001378609.3 (MANE Select); 3 bases into the intron after coding-DNA position 4081, A replaced by G.
Molecular consequence: intron variant.
Genome position (GRCh38, 1-based): chr12:80,320,703, A>G. VCF-style: chr12-80320703-A-G. GRCh37 (hg19) VCF-style: chr12-80714483-A-G.
Other names: c.3946+3A>G (NM_001368062.3); c.4081+3A>G (NM_001378610.3, NM_173591.7).
Identifiers: ClinVar variation 4738447 (VCV004738447.1).